The following is an entry in ClinVar:

ClinVar aggregate classification (germline): Pathogenic. Review status: criteria provided, multiple submitters, no conflicts (2 of 4 stars). 4 submissions from 4 submitters: Pathogenic (2). 2 of the submissions do not count toward it. Last evaluated 2024-12-18.

Conditions:
3-Oxo-5 alpha-steroid delta 4-dehydrogenase deficiency (PPSH). Also called: 46,XY disorder of sex development due to 5-alpha-reductase 2 deficiency; PSEUDOVAGINAL PERINEOSCROTAL HYPOSPADIAS; FAMILIAL INCOMPLETE MALE PSEUDOHERMAPHRODITISM, TYPE 2; MALE PSEUDOHERMAPHRODITISM DUE TO 5-ALPHA-REDUCTASE DEFICIENCY. Identifiers: Orphanet 753, MedGen C0268297, MONDO:0009923, OMIM 264600. Disease mechanism: loss of function.

gnomAD v4.1: 7 of 1,601,662 alleles (0.00044%); highest among the groups gnomAD compares: Middle Eastern, 0.017%; no homozygotes.

Submissions (4):

Genomic Medicine Center of Excellence, King Faisal Specialist Hospital and Research Centre
Classification: Pathogenic for 3-Oxo-5 alpha-steroid delta 4-dehydrogenase deficiency. Last evaluated: 2024-12-18. Review status: criteria provided, single submitter. Criteria: ACMG Guidelines, 2015. Collection method: clinical testing. Allele origin: germline.

Genetic Services Laboratory, University of Chicago
Classification: Pathogenic. Last evaluated: 2018-12-19. Review status: criteria provided, single submitter. Criteria: ACMG Guidelines, 2015. Collection method: clinical testing. Allele origin: germline. Affected: yes.
Comment: DNA sequence analysis of the SRD5A2 gene demonstrated a sequence change in the canonical splice acceptor site of intron 1, c.282-2A>G, in the apparent homozygous state. This is a novel sequence change that has not previously been seen in large population databases (ExAC, gnomAD). This sequence change is predicted to affect normal splicing of the SRD5A2 gene and result in a truncated protein. This particular sequence change has been previously described in several patients with SRD5A2-related disorders (PMIDs: 12008688, 22001134, 20511729).

Clinical Laboratory Sciences Program (CLSP), King Saud bin Abdulaziz University for Health Sciences (KSAU-HS)
Classification: Uncertain significance for 3-Oxo-5 alpha-steroid delta 4-dehydrogenase deficiency. Last evaluated: 2023-04-01. Review status: no assertion criteria provided. Collection method: clinical testing. Allele origin: germline. Affected: yes. Not counted in ClinVar's aggregate classification.

Clinical Molecular Genetics Laboratory, Johns Hopkins All Children's Hospital
Classification: Pathogenic for 3-Oxo-5 alpha-steroid delta 4-dehydrogenase deficiency. Last evaluated: 2017-07-27. Review status: no assertion criteria provided. Collection method: clinical testing. Allele origin: germline. Affected: yes. Not counted in ClinVar's aggregate classification.

NM_000348.4(SRD5A2):c.282-2A>G

Gene: SRD5A2 (steroid 5 alpha-reductase 2; minus strand). Cytogenetic location: 2p23.1.
Variant type: single nucleotide variant.
Coding change: c.282-2A>G on transcript NM_000348.4 (MANE Select); the canonical splice acceptor site of the intron before coding-DNA position 282, A replaced by G.
Molecular consequence: splice acceptor variant.
Genome position (GRCh38, 1-based): chr2:31,533,768, T>C on the plus strand (A>G on the coding strand, the complement: SRD5A2 is on the minus strand). VCF-style: chr2-31533768-T-C. GRCh37 (hg19) VCF-style: chr2-31758838-T-C.
Identifiers: ClinVar variation 492900 (VCV000492900.22), dbSNP rs1340425455, ClinGen allele CA346598741.